The following is an entry in ClinVar:

NM_014363.6(SACS):c.5901dup (p.Ala1968fs)

Gene: SACS (sacsin molecular chaperone; minus strand). Cytogenetic location: 13q12.12.
Variant type: Duplication.
Coding change: c.5901dup on transcript NM_014363.6 (MANE Select); coding-DNA position 5901, one base duplicated (A; older notation c.5901dupA).
Protein change: p.Ala1968fs; shifts the reading frame from alanine 1968.
Molecular consequence: frameshift variant.
Genome position (GRCh38, 1-based): chr13:23,337,975, T duplicated on the plus strand (A on the coding strand, the reverse complement: SACS is on the minus strand). VCF-style (leftmost placement, unchanged base first): chr13-23337974-C-CT. GRCh37 (hg19) VCF-style: chr13-23912113-C-CT.
Other names: c.5460dup, p.Ala1821fs (NM_001278055.2); short protein forms A1821fs, A1968fs.
Identifiers: ClinVar variation 2756149 (VCV002756149.3), dbSNP rs2542259196, ClinGen allele CA2697551673.

ClinVar aggregate classification (germline): Pathogenic (1 of 4 stars; one submission).

Conditions:
Spastic paraplegia. Identifiers: MedGen C0037772, HP:0001258.

Submission:

Labcorp Genetics (formerly Invitae), Labcorp
Classification: Pathogenic for Spastic paraplegia. Last evaluated: 2023-09-11. Review status: criteria provided, single submitter. Criteria: Invitae Variant Classification Sherloc (09022015). Collection method: clinical testing. Allele origin: germline.
Comment: For these reasons, this variant has been classified as Pathogenic. This variant disrupts a region of the SACS protein in which other variant(s) (p.Asn4549Asp) have been determined to be pathogenic (PMID: 15156359, 21507954). This suggests that this is a clinically significant region of the protein, and that variants that disrupt it are likely to be disease-causing. This variant has not been reported in the literature in individuals affected with SACS-related conditions. This variant is not present in population databases (gnomAD no frequency). This sequence change creates a premature translational stop signal (p.Ala1968Serfs*14) in the SACS gene. While this is not anticipated to result in nonsense mediated decay, it is expected to disrupt the last 2612 amino acid(s) of the SACS protein.

Literature cited by the submitters: PubMed 15156359; PubMed 21507954.